The following is an entry in ClinVar:

NM_000548.5(TSC2):c.2355+3dup

Gene: TSC2 (TSC complex subunit 2; plus strand). Cytogenetic location: 16p13.3.
Variant type: Duplication.
Coding change: c.2355+3dup on transcript NM_000548.5 (MANE Select); 3 bases into the intron after coding-DNA position 2355, one base duplicated (A; older notation c.2355+3dupA).
Molecular consequence: intron variant.
Genome position (GRCh38, 1-based): chr16:2,072,986, A duplicated. VCF-style (leftmost placement, unchanged base first): chr16-2072985-T-TA. GRCh37 (hg19) VCF-style: chr16-2122986-T-TA.
Other names: c.1011+3dup (NM_001406693.1, NM_001406689.1, NM_001406690.1 and 6 more transcripts); c.2445+3dup (NM_001406667.1, NM_001406668.1); c.1755+3dup (NM_001406680.1, NM_001406683.1, NM_001406687.1 and 6 more transcripts); c.753+3dup (NM_001406698.1); c.2355+3dup (NM_001114382.3, NM_001406663.1, NM_001406664.1 and 6 more transcripts); c.2343+3dup (NM_001406671.1, NM_001406673.1); c.1893+3dup (NM_001406681.1); c.2244+3dup (NM_001406670.1, NM_001318827.2, NM_001406678.1); and 3 more.
Identifiers: ClinVar variation 2770252 (VCV002770252.3), dbSNP rs2543770864, ClinGen allele CA2697549490.

ClinVar aggregate classification (germline): Uncertain significance (1 of 4 stars; one submission).

Conditions:
Tuberous sclerosis 2 (TSC2). Identifiers: Orphanet 805, MedGen C1860707, MONDO:0013199, OMIM 613254.

Submission:

Labcorp Genetics (formerly Invitae), Labcorp
Classification: Uncertain significance for Tuberous sclerosis 2. Last evaluated: 2023-10-20. Review status: criteria provided, single submitter. Criteria: Invitae Variant Classification Sherloc (09022015). Collection method: clinical testing. Allele origin: germline.
Comment: This sequence change falls in intron 21 of the TSC2 gene. It does not directly change the encoded amino acid sequence of the TSC2 protein. It affects a nucleotide within the consensus splice site. This variant is not present in population databases (gnomAD no frequency). This variant has not been reported in the literature in individuals affected with TSC2-related conditions. Variants that disrupt the consensus splice site are a relatively common cause of aberrant splicing (PMID: 17576681, 9536098). Algorithms developed to predict the effect of sequence changes on RNA splicing suggest that this variant is not likely to affect RNA splicing. In summary, the available evidence is currently insufficient to determine the role of this variant in disease. Therefore, it has been classified as a Variant of Uncertain Significance.

Literature cited by the submitters: PubMed 17576681; PubMed 9536098.